The following is an entry in ClinVar:

NM_001129820.2(SLFN14):c.1975A>G (p.Ile659Val)

Gene: SLFN14 (schlafen family member 14; minus strand). Cytogenetic location: 17q12.
Variant type: single nucleotide variant.
Coding change: c.1975A>G on transcript NM_001129820.2 (MANE Select); coding-DNA position 1975, A replaced by G.
Protein change: p.Ile659Val; replaces isoleucine 659 with valine.
Molecular consequence: missense variant.
Genome position (GRCh38, 1-based): chr17:35,549,003, T>C on the plus strand (A>G on the coding strand, the complement: SLFN14 is on the minus strand). VCF-style: chr17-35549003-T-C. GRCh37 (hg19) VCF-style: chr17-33876022-T-C.
Other names: c.1975A>G (NM_001129820.1); short protein forms I659V.
Identifiers: ClinVar variation 3892504 (VCV003892504.3).

ClinVar aggregate classification (germline): Uncertain significance. Review status: criteria provided, multiple submitters, no conflicts (2 of 4 stars). 3 submissions from 3 submitters: Uncertain significance (3). Last evaluated 2025-07-09.

Conditions:
SLFN14-related disorder. Also called: SLFN14-related condition.
Inborn genetic diseases. Identifiers: MedGen C0950123, MeSH D030342.
Platelet-type bleeding disorder 20 (BDPLT20). Identifiers: Orphanet 466806, MedGen C4310797, MONDO:0014830, OMIM 616913.

Submissions (3):

PreventionGenetics, part of Exact Sciences
Classification: Uncertain significance for SLFN14-related condition. Last evaluated: 2025-07-09. Review status: criteria provided, single submitter. Criteria: ACMG Guidelines, 2015. Collection method: clinical testing. Allele origin: germline.
Comment: The SLFN14 c.1975A>G variant is predicted to result in the amino acid substitution p.Ile659Val. To our knowledge, this variant has not been reported in the literature or in a large population database (gnomAD), indicating this variant is rare. At this time, the clinical significance of this variant is uncertain due to the absence of conclusive functional and genetic evidence.

Ambry Genetics
Classification: Uncertain significance for Inborn genetic diseases. Last evaluated: 2025-06-26. Review status: criteria provided, single submitter. Criteria: Ambry Variant Classification Scheme 2023. Collection method: clinical testing. Allele origin: germline.

Department of Pathology and Laboratory Medicine, Sinai Health System
Classification: Uncertain significance for Platelet-type bleeding disorder 20. Last evaluated: 2022-02-03. Review status: criteria provided, single submitter. Criteria: ACMG Guidelines, 2015. Collection method: research. Allele origin: germline.